The following is an entry in ClinVar:

ClinVar aggregate classification (germline): Uncertain significance (1 of 4 stars; one submission).

Submission:

Labcorp Genetics (formerly Invitae), Labcorp
Classification: Uncertain significance. Last evaluated: 2022-09-01. Review status: criteria provided, single submitter. Criteria: Invitae Variant Classification Sherloc (09022015). Collection method: clinical testing. Allele origin: germline.
Comment: In summary, the available evidence is currently insufficient to determine the role of this variant in disease. Therefore, it has been classified as a Variant of Uncertain Significance. Algorithms developed to predict the effect of missense changes on protein structure and function (SIFT, PolyPhen-2, Align-GVGD) all suggest that this variant is likely to be tolerated. This variant has not been reported in the literature in individuals affected with ADAM9-related conditions. This variant is not present in population databases (gnomAD no frequency). This sequence change replaces glutamic acid, which is acidic and polar, with glycine, which is neutral and non-polar, at codon 90 of the ADAM9 protein (p.Glu90Gly).

NM_003816.3(ADAM9):c.269A>G (p.Glu90Gly)

Gene: ADAM9 (ADAM metallopeptidase domain 9; plus strand). Cytogenetic location: 8p11.22.
Variant type: single nucleotide variant.
Coding change: c.269A>G on transcript NM_003816.3 (MANE Select); coding-DNA position 269, A replaced by G.
Protein change: p.Glu90Gly; replaces glutamic acid 90 with glycine.
Molecular consequence: missense variant. On other transcripts: non-coding transcript variant (3).
Genome position (GRCh38, 1-based): chr8:39,013,979, A>G. VCF-style: chr8-39013979-A-G. GRCh37 (hg19) VCF-style: chr8-38871498-A-G.
Other names: short protein forms E90G.
Identifiers: ClinVar variation 2055313 (VCV002055313.4), dbSNP rs2491969807, ClinGen allele CA370752324.